The following is an entry in ClinVar:

ClinVar aggregate classification (germline): Uncertain significance (1 of 4 stars; one submission).

Conditions:
Nephronophthisis. Also called: Juvenile Nephronophthisis. Identifiers: Orphanet 655, MedGen C0687120, MONDO:0019005, HP:0000090.
Jeune thoracic dystrophy. Also called: Jeune syndrome; Infantile thoracic dystrophy; Thoracic pelvic phalangeal dystrophy; Jeune's syndrome; Chondroectodermal dysplasia-like syndrome; Short-rib thoracic dysplasia. Identifiers: Orphanet 474, MedGen C0265275, MONDO:0018770.

Allele frequency attached by ClinVar (database versions not stated): gnomAD exomes below 0.00001.
gnomAD v4.1: 2 of 1,613,320 alleles (0.00012%); highest among the groups gnomAD compares: Non-Finnish European, 0.00017%; no homozygotes.

Submission:

Labcorp Genetics (formerly Invitae), Labcorp
Classification: Uncertain significance for Jeune thoracic dystrophy; Nephronophthisis. Last evaluated: 2022-10-13. Review status: criteria provided, single submitter. Criteria: Invitae Variant Classification Sherloc (09022015). Collection method: clinical testing. Allele origin: germline.
Comment: This sequence change replaces glutamine, which is neutral and polar, with arginine, which is basic and polar, at codon 337 of the TTC21B protein (p.Gln337Arg). This variant is not present in population databases (gnomAD no frequency). This variant has not been reported in the literature in individuals affected with TTC21B-related conditions. Advanced modeling of protein sequence and biophysical properties (such as structural, functional, and spatial information, amino acid conservation, physicochemical variation, residue mobility, and thermodynamic stability) performed at Invitae indicates that this missense variant is not expected to disrupt TTC21B protein function. In summary, the available evidence is currently insufficient to determine the role of this variant in disease. Therefore, it has been classified as a Variant of Uncertain Significance.

NM_024753.5(TTC21B):c.1010A>G (p.Gln337Arg)

Gene: TTC21B (tetratricopeptide repeat domain 21B; minus strand). Cytogenetic location: 2q24.3.
Variant type: single nucleotide variant.
Coding change: c.1010A>G on transcript NM_024753.5 (MANE Select); coding-DNA position 1010, A replaced by G.
Protein change: p.Gln337Arg; replaces glutamine 337 with arginine.
Molecular consequence: missense variant.
Genome position (GRCh38, 1-based): chr2:165,930,249, T>C on the plus strand (A>G on the coding strand, the complement: TTC21B is on the minus strand). VCF-style: chr2-165930249-T-C. GRCh37 (hg19) VCF-style: chr2-166786759-T-C.
Other names: short protein forms Q337R.
Identifiers: ClinVar variation 2168868 (VCV002168868.4), dbSNP rs1686838009, ClinGen allele CA349066741.